The following is an entry in ClinVar:

NM_004727.3(SLC24A1):c.1325del (p.Pro442fs)

Gene: SLC24A1 (solute carrier family 24 member 1; plus strand). Cytogenetic location: 15q22.31.
Variant type: Deletion.
Coding change: c.1325del on transcript NM_004727.3 (MANE Select); coding-DNA position 1325, one base deleted (C; older notation c.1325delC).
Protein change: p.Pro442fs; shifts the reading frame from proline 442.
Molecular consequence: frameshift variant.
Genome position (GRCh38, 1-based): chr15:65,625,405, C deleted; the last of 6 consecutive C bases (chr15:65,625,400-65,625,405); deleting any one gives the same sequence. VCF-style (leftmost placement, unchanged base first): chr15-65625399-AC-A. GRCh37 (hg19) VCF-style: chr15-65917737-AC-A.
Other names: c.1325delC (NM_004727.2); c.1325del, p.Pro442fs (NM_001301031.1, NM_001301032.1, NM_001301033.2); short protein forms P442fs.
Identifiers: ClinVar variation 1072566 (VCV001072566.9), dbSNP rs774410891, ClinGen allele CA7619883.

ClinVar aggregate classification (germline): Pathogenic/Likely pathogenic. Review status: criteria provided, multiple submitters, no conflicts (2 of 4 stars). 3 submissions from 3 submitters: Pathogenic (1); Likely pathogenic (2). Last evaluated 2026-04-24.

Conditions:
SLC24A1-related disorder. Also called: SLC24A1-related condition.

Submissions (3):

PreventionGenetics, part of Exact Sciences
Classification: Likely pathogenic for SLC24A1-related condition. Last evaluated: 2026-04-24. Review status: criteria provided, single submitter. Criteria: ACMG Guidelines, 2015. Collection method: clinical testing. Allele origin: germline.
Comment: The SLC24A1 c.1325delC variant is predicted to result in a frameshift and premature protein termination (p.Pro442Glnfs*21). To our knowledge, this variant has not been reported in the literature in association with disease. This variant is present in 0.033% of alleles in individuals of African descent in gnomAD and has been reported in a carrier screen of the general population (Hanany et al. 2020. PubMed ID: 31964843). Frameshift variants in SLC24A1 are an established mechanism of disease. This variant is interpreted as likely pathogenic.

Labcorp Genetics (formerly Invitae), Labcorp
Classification: Pathogenic. Last evaluated: 2025-09-18. Review status: criteria provided, single submitter. Criteria: Invitae Variant Classification Sherloc (09022015). Collection method: clinical testing. Allele origin: germline.
Comment: This sequence change creates a premature translational stop signal (p.Pro442Glnfs*21) in the SLC24A1 gene. It is expected to result in an absent or disrupted protein product. Loss-of-function variants in SLC24A1 are known to be pathogenic (PMID: 20850105, 26822852). This variant is present in population databases (rs774410891, gnomAD 0.03%). This variant has not been reported in the literature in individuals affected with SLC24A1-related conditions. ClinVar contains an entry for this variant (Variation ID: 1072566). For these reasons, this variant has been classified as Pathogenic.

Blueprint Genetics
Classification: Likely pathogenic for SLC24A1-related disorders. Last evaluated: 2022-04-04. Review status: criteria provided, single submitter. Criteria: ACMG Guidelines, 2015. Collection method: clinical testing. Allele origin: germline. Affected: yes. Observed: 5 variant alleles.

Literature cited by the submitters: PubMed 20850105 (cited by Labcorp Genetics (formerly Invitae), Labcorp); PubMed 26822852 (cited by Labcorp Genetics (formerly Invitae), Labcorp).